The following is an entry in ClinVar:

ClinVar aggregate classification (germline): Uncertain significance (1 of 4 stars; one submission).

Conditions:
Cardiovascular phenotype. Identifiers: MedGen CN230736.

Submission:

Ambry Genetics
Classification: Uncertain significance for Cardiovascular phenotype. Last evaluated: 2026-09-12. Review status: criteria provided, single submitter. Criteria: Ambry Variant Classification Scheme 2023. Collection method: clinical testing. Allele origin: germline.
Comment: The p.A43G variant (also known as c.128C>G), located in coding exon 1 of the ABCG5 gene, results from a C to G substitution at nucleotide position 128. The alanine at codon 43 is replaced by glycine, an amino acid with similar properties. This amino acid position is conserved. In addition, this alteration is predicted to be tolerated by in silico analysis. Based on the available evidence, the clinical significance of this variant remains unclear.

NM_022436.3(ABCG5):c.128C>G (p.Ala43Gly)

Gene: ABCG5 (ATP binding cassette subfamily G member 5; minus strand). Cytogenetic location: 2p21.
Variant type: single nucleotide variant.
Coding change: c.128C>G on transcript NM_022436.3 (MANE Select); coding-DNA position 128, C replaced by G.
Protein change: p.Ala43Gly; replaces alanine 43 with glycine.
Molecular consequence: missense variant.
Genome position (GRCh38, 1-based): chr2:43,838,552, G>C on the plus strand (C>G on the coding strand, the complement: ABCG5 is on the minus strand). VCF-style: chr2-43838552-G-C. GRCh37 (hg19) VCF-style: chr2-44065691-G-C.
Other names: short protein forms A43G.
Identifiers: ClinVar variation 5027171 (VCV005027171.1).